The following is an entry in ClinVar:

ClinVar aggregate classification (germline): Conflicting classifications of pathogenicity. Review status: criteria provided, conflicting classifications (1 of 4 stars). 2 submissions from 2 submitters: Uncertain significance (1); Likely benign (1). Last evaluated 2022-12-21.

Conditions:
Inborn genetic diseases. Identifiers: MedGen C0950123, MeSH D030342.

Allele frequency attached by ClinVar (database versions not stated): gnomAD exomes below 0.00001; gnomAD 0.00001; ExAC 0.00002.
gnomAD v4.1: 3 of 1,613,964 alleles (0.00019%); highest among the groups gnomAD compares: South Asian, 0.0011%; no homozygotes.

Submissions (2):

GeneDx
Classification: Uncertain significance. Last evaluated: 2022-12-21. Review status: criteria provided, single submitter. Criteria: GeneDx Variant Classification Process June 2021. Collection method: clinical testing. Allele origin: germline. Affected: yes.
Comment: Not observed at significant frequency in large population cohorts (gnomAD); In silico analysis supports that this missense variant does not alter protein structure/function; Has not been previously published as pathogenic or benign to our knowledge

Ambry Genetics
Classification: Likely benign for Inborn genetic diseases. Last evaluated: 2021-06-15. Review status: criteria provided, single submitter. Criteria: Ambry Variant Classification Scheme 2023. Collection method: clinical testing. Allele origin: germline.

NM_198578.4(LRRK2):c.2110A>G (p.Met704Val)

Gene: LRRK2 (leucine rich repeat kinase 2; plus strand). Cytogenetic location: 12q12.
Variant type: single nucleotide variant.
Coding change: c.2110A>G on transcript NM_198578.4 (MANE Select); coding-DNA position 2110, A replaced by G.
Protein change: p.Met704Val; replaces methionine 704 with valine.
Molecular consequence: missense variant.
Genome position (GRCh38, 1-based): chr12:40,278,130, A>G. VCF-style: chr12-40278130-A-G. GRCh37 (hg19) VCF-style: chr12-40671932-A-G.
Other names: short protein forms M704V.
Identifiers: ClinVar variation 1786100 (VCV001786100.3), dbSNP rs774148061, ClinGen allele CA6513558.